The following is an entry in ClinVar:

NM_001278.5(CHUK):c.919A>G (p.Ile307Val)

Gene: CHUK (component of inhibitor of nuclear factor kappa B kinase complex; minus strand). Cytogenetic location: 10q24.31.
Variant type: single nucleotide variant.
Coding change: c.919A>G on transcript NM_001278.5 (MANE Select); coding-DNA position 919, A replaced by G.
Protein change: p.Ile307Val; replaces isoleucine 307 with valine.
Molecular consequence: missense variant.
Genome position (GRCh38, 1-based): chr10:100,218,009, T>C on the plus strand (A>G on the coding strand, the complement: CHUK is on the minus strand). VCF-style: chr10-100218009-T-C. GRCh37 (hg19) VCF-style: chr10-101977766-T-C.
Other names: c.919A>G, p.Ile307Val (NM_001320928.2); short protein forms I307V.
Identifiers: ClinVar variation 785325 (VCV000785325.12), dbSNP rs141877809, ClinGen allele CA5646566.

ClinVar aggregate classification (germline): Likely benign. Review status: criteria provided, multiple submitters, no conflicts (2 of 4 stars). 3 submissions from 3 submitters: Likely benign (2). 1 of the submissions does not count toward it. Last evaluated 2026-07-01.

Conditions:
CHUK-related disorder. Also called: CHUK-related condition.

Allele frequency attached by ClinVar (database versions not stated): gnomAD exomes 0.00045 and 0.00017; ExAC 0.00052; 1000 Genomes Project 0.00160; TOPMed 0.00185; 1000 Genomes Project 30x 0.00187; gnomAD 0.00188 and 0.00201; ESP Exome Variant Server 0.00200.
gnomAD v4.1: 537 of 1,614,136 alleles (0.033%); highest among the groups gnomAD compares: African/African-American, 0.67%; 2 homozygotes.

Submissions (3):

CeGaT Center for Human Genetics Tuebingen
Classification: Likely benign. Last evaluated: 2026-07-01. Review status: criteria provided, single submitter. Criteria: CeGaT Center For Human Genetics Tuebingen Variant Classification Criteria Version 2. Collection method: clinical testing. Allele origin: germline. Affected: yes. Observed: 1 variant allele.
Comment: CHUK: BS2

Labcorp Genetics (formerly Invitae), Labcorp
Classification: Likely benign. Last evaluated: 2025-12-21. Review status: criteria provided, single submitter. Criteria: Invitae Variant Classification Sherloc (09022015). Collection method: clinical testing. Allele origin: germline.

PreventionGenetics, part of Exact Sciences
Classification: Likely benign for CHUK-related condition. Last evaluated: 2019-09-09. Review status: no assertion criteria provided. Collection method: clinical testing. Allele origin: germline. Not counted in ClinVar's aggregate classification.
Comment: This variant is classified as likely benign based on ACMG/AMP sequence variant interpretation guidelines (Richards et al. 2015 PMID: 25741868, with internal and published modifications).